The following is an entry in ClinVar:

NM_004168.4(SDHA):c.1463C>G (p.Ala488Gly)

Gene: SDHA (succinate dehydrogenase complex flavoprotein subunit A; plus strand). Cytogenetic location: 5p15.33.
Variant type: single nucleotide variant.
Coding change: c.1463C>G on transcript NM_004168.4 (MANE Select); coding-DNA position 1463, C replaced by G.
Protein change: p.Ala488Gly; replaces alanine 488 with glycine.
Molecular consequence: missense variant.
Genome position (GRCh38, 1-based): chr5:240,388, C>G. VCF-style: chr5-240388-C-G. GRCh37 (hg19) VCF-style: chr5-240503-C-G.
Other names: c.1319C>G, p.Ala440Gly (NM_001294332.2); c.1463C>G, p.Ala488Gly (NM_001330758.2); short protein forms A440G, A488G.
Identifiers: ClinVar variation 3438682 (VCV003438682.1).

ClinVar aggregate classification (germline): Uncertain significance (1 of 4 stars; one submission).

Conditions:
Hereditary cancer-predisposing syndrome. Also called: Tumor predisposition; Neoplastic Syndromes, Hereditary; Hereditary neoplastic syndrome; Hereditary Cancer Syndrome. Identifiers: Orphanet 140162, MedGen C0027672, MeSH D009386, MONDO:0015356.

Submission:

Ambry Genetics
Classification: Uncertain significance for Hereditary cancer-predisposing syndrome. Last evaluated: 2024-07-11. Review status: criteria provided, single submitter. Criteria: Ambry Variant Classification Scheme 2023. Collection method: clinical testing. Allele origin: germline.
Comment: The p.A488G variant (also known as c.1463C>G), located in coding exon 11 of the SDHA gene, results from a C to G substitution at nucleotide position 1463. The alanine at codon 488 is replaced by glycine, an amino acid with similar properties. This amino acid position is conserved. In addition, the in silico prediction for this alteration is inconclusive. Based on the available evidence, the clinical significance of this variant remains unclear.